The following is an entry in ClinVar:

ClinVar aggregate classification (germline): Uncertain significance. Review status: criteria provided, multiple submitters, no conflicts (2 of 4 stars). 2 submissions from 2 submitters: Uncertain significance (2). Last evaluated 2024-12-12.

Conditions:
Inborn genetic diseases. Identifiers: MedGen C0950123, MeSH D030342.

Allele frequency attached by ClinVar (database versions not stated): gnomAD 0.00001; gnomAD exomes 0.00001; ExAC 0.00002; TOPMed 0.00003.
gnomAD v4.1: 9 of 1,613,594 alleles (0.00056%); highest among the groups gnomAD compares: African/African-American, 0.0067%; no homozygotes.

Submissions (2):

Ambry Genetics
Classification: Uncertain significance for Inborn genetic diseases. Last evaluated: 2024-12-12. Review status: criteria provided, single submitter. Criteria: Ambry Variant Classification Scheme 2023. Collection method: clinical testing. Allele origin: germline.
Comment: The p.I1067M variant (also known as c.3201T>G), located in coding exon 1 of the SAMD9L gene, results from a T to G substitution at nucleotide position 3201. The isoleucine at codon 1067 is replaced by methionine, an amino acid with highly similar properties. This amino acid position is conserved. In addition, this alteration is predicted to be tolerated by in silico analysis. Based on the available evidence, the clinical significance of this variant remains unclear.

Labcorp Genetics (formerly Invitae), Labcorp
Classification: Uncertain significance. Last evaluated: 2024-11-05. Review status: criteria provided, single submitter. Criteria: Invitae Variant Classification Sherloc (09022015). Collection method: clinical testing. Allele origin: germline.
Comment: This sequence change replaces isoleucine, which is neutral and non-polar, with methionine, which is neutral and non-polar, at codon 1067 of the SAMD9L protein (p.Ile1067Met). This variant is present in population databases (rs760367395, gnomAD 0.007%). This variant has not been reported in the literature in individuals affected with SAMD9L-related conditions. ClinVar contains an entry for this variant (Variation ID: 2167026). Invitae Evidence Modeling of protein sequence and biophysical properties (such as structural, functional, and spatial information, amino acid conservation, physicochemical variation, residue mobility, and thermodynamic stability) has been performed for this missense variant. However, the output from this modeling did not meet the statistical confidence thresholds required to predict the impact of this variant on SAMD9L protein function. In summary, the available evidence is currently insufficient to determine the role of this variant in disease. Therefore, it has been classified as a Variant of Uncertain Significance.

NM_152703.5(SAMD9L):c.3201T>G (p.Ile1067Met)

Gene: SAMD9L (sterile alpha motif domain containing 9 like; minus strand). Cytogenetic location: 7q21.2.
Variant type: single nucleotide variant.
Coding change: c.3201T>G on transcript NM_152703.5 (MANE Select); coding-DNA position 3201, T replaced by G.
Protein change: p.Ile1067Met; replaces isoleucine 1067 with methionine.
Molecular consequence: missense variant.
Genome position (GRCh38, 1-based): chr7:93,132,771, A>C on the plus strand (T>G on the coding strand, the complement: SAMD9L is on the minus strand). VCF-style: chr7-93132771-A-C. GRCh37 (hg19) VCF-style: chr7-92762084-A-C.
Other names: c.3201T>G (NM_152703.2); c.3201T>G, p.Ile1067Met (NM_001303496.3, NM_001303497.3, NM_001303498.3 and 5 more transcripts); short protein forms I1067M.
Identifiers: ClinVar variation 2167026 (VCV002167026.5), dbSNP rs760367395, ClinGen allele CA4343489.